The following is an entry in ClinVar:

NM_001366385.1(CARD14):c.2467C>T (p.Arg823Ter)

Genes: CARD14 (caspase recruitment domain family member 14; plus strand), SGSH (N-sulfoglucosamine sulfohydrolase; minus strand), LOC126862662 (MED14-independent group 3 enhancer GRCh37_chr17:78178385-78179584; plus strand). Cytogenetic location: 17q25.3.
Variant type: single nucleotide variant.
Coding change: c.2467C>T on transcript NM_001366385.1 (MANE Select); coding-DNA position 2467, C replaced by T.
Protein change: p.Arg823Ter; replaces arginine 823 with a stop codon.
Molecular consequence: nonsense. On other transcripts: non-coding transcript variant (1).
Genome position (GRCh38, 1-based): chr17:80,205,103, C>T. VCF-style: chr17-80205103-C-T. GRCh37 (hg19) VCF-style: chr17-78178902-C-T.
Other names: p.Arg823*; c.2467C>T, p.Arg823Ter (NM_024110.4); short protein forms R823*.
Identifiers: ClinVar variation 2683443 (VCV002683443.2), dbSNP rs755481550, ClinGen allele CA8817335.

ClinVar aggregate classification (germline): Uncertain significance. Review status: criteria provided, multiple submitters, no conflicts (2 of 4 stars). 2 submissions from 2 submitters: Uncertain significance (2). Last evaluated 2025-08-10.

Conditions:
Pityriasis rubra pilaris (PRP). Also called: Pityriasis rubra pilaris--familial type. Identifiers: Orphanet 2897, MedGen C0032027, MONDO:0100017, OMIM 173200, MONDO:0008251.
Psoriasis 2. Identifiers: MedGen C1864497, MONDO:0011269, OMIM 602723.

Allele frequency attached by ClinVar (database versions not stated): gnomAD 0.00001; gnomAD exomes 0.00001; TOPMed 0.00001; ExAC 0.00003.
gnomAD v4.1: 10 of 1,613,434 alleles (0.00062%); highest among the groups gnomAD compares: Admixed American, 0.0033%; no homozygotes.

Submissions (2):

Labcorp Genetics (formerly Invitae), Labcorp
Classification: Uncertain significance for Pityriasis rubra pilaris; Psoriasis 2. Last evaluated: 2025-08-10. Review status: criteria provided, single submitter. Criteria: Invitae Variant Classification Sherloc (09022015). Collection method: clinical testing. Allele origin: germline.
Comment: This sequence change creates a premature translational stop signal (p.Arg823*) in the CARD14 gene. It is expected to result in an absent or disrupted protein product. However, the current clinical and genetic evidence is not sufficient to establish whether loss-of-function variants in CARD14 cause disease. This variant is present in population databases (rs755481550, gnomAD 0.006%). This variant has not been reported in the literature in individuals affected with CARD14-related conditions. ClinVar contains an entry for this variant (Variation ID: 2683443). In summary, the available evidence is currently insufficient to determine the role of this variant in disease. Therefore, it has been classified as a Variant of Uncertain Significance.

Mayo Clinic Laboratories, Mayo Clinic
Classification: Uncertain significance. Last evaluated: 2022-11-17. Review status: criteria provided, single submitter. Criteria: ACMG Guidelines, 2015. Collection method: clinical testing. Allele origin: germline. Observed: 1 variant allele.

Literature cited by the submitters: PubMed 30248356 (cited by Mayo Clinic Laboratories, Mayo Clinic); PubMed 30783801 (cited by Mayo Clinic Laboratories, Mayo Clinic); PubMed 31755479 (cited by Mayo Clinic Laboratories, Mayo Clinic).